The following is an entry in ClinVar:

ClinVar aggregate classification (germline): Uncertain significance (1 of 4 stars; one submission).

Conditions:
Autosomal dominant nonsyndromic hearing loss 1. Also called: DEAFNESS, AUTOSOMAL DOMINANT 1, WITH OR WITHOUT THROMBOCYTOPENIA; KONIGSMARK SYNDROME. Identifiers: Orphanet 90635, MedGen C1852282, MONDO:0007424, OMIM 124900.
Progressive microcephaly-seizures-cortical blindness-developmental delay syndrome. Also called: Seizures, cortical blindness, and microcephaly syndrome. Identifiers: Orphanet 477814, MedGen C5567650, MONDO:0014714, OMIM 616632.

gnomAD v4.1: 3 of 1,552,052 alleles (0.00019%); highest among the groups gnomAD compares: South Asian, 0.0012%; no homozygotes.

Submission:

Labcorp Genetics (formerly Invitae), Labcorp
Classification: Uncertain significance for Progressive microcephaly-seizures-cortical blindness-developmental delay syndrome; Autosomal dominant nonsyndromic hearing loss 1. Last evaluated: 2025-06-08. Review status: criteria provided, single submitter. Criteria: Invitae Variant Classification Sherloc (09022015). Collection method: clinical testing. Allele origin: germline.
Comment: This sequence change replaces proline, which is neutral and non-polar, with serine, which is neutral and polar, at codon 644 of the DIAPH1 protein (p.Pro644Ser). The frequency data for this variant in the population databases is considered unreliable, as metrics indicate poor data quality at this position in the gnomAD database. This variant has not been reported in the literature in individuals affected with DIAPH1-related conditions. Experimental studies and prediction algorithms are not available or were not evaluated, and the functional significance of this variant is currently unknown. In summary, the available evidence is currently insufficient to determine the role of this variant in disease. Therefore, it has been classified as a Variant of Uncertain Significance.

NM_005219.5(DIAPH1):c.1930C>T (p.Pro644Ser)

Gene: DIAPH1 (diaphanous related formin 1; minus strand). Cytogenetic location: 5q31.3.
Variant type: single nucleotide variant.
Coding change: c.1930C>T on transcript NM_005219.5 (MANE Select); coding-DNA position 1930, C replaced by T.
Protein change: p.Pro644Ser; replaces proline 644 with serine.
Molecular consequence: missense variant.
Genome position (GRCh38, 1-based): chr5:141,573,920, G>A on the plus strand (C>T on the coding strand, the complement: DIAPH1 is on the minus strand). VCF-style: chr5-141573920-G-A. GRCh37 (hg19) VCF-style: chr5-140953487-G-A.
Other names: c.1903C>T, p.Pro635Ser (NM_001079812.3); c.1930C>T, p.Pro644Ser (NM_001314007.2); short protein forms P644S, P635S.
Identifiers: ClinVar variation 4794169 (VCV004794169.1).